The following is an entry in ClinVar:

NM_003002.4(SDHD):c.315-2A>G

Gene: SDHD (succinate dehydrogenase complex subunit D; plus strand). Cytogenetic location: 11q23.1.
Variant type: single nucleotide variant.
Coding change: c.315-2A>G on transcript NM_003002.4 (MANE Select); the canonical splice acceptor site of the intron before coding-DNA position 315, A replaced by G.
Molecular consequence: splice acceptor variant.
Genome position (GRCh38, 1-based): chr11:112,094,803, A>G. VCF-style: chr11-112094803-A-G. GRCh37 (hg19) VCF-style: chr11-111965527-A-G.
Other names: c.*13-2A>G (NM_001276506.2); c.170-2A>G (NM_001276503.2); c.198-2A>G (NM_001276504.2).
Identifiers: ClinVar variation 1465013 (VCV001465013.6), dbSNP rs2135277333, ClinGen allele CA382618705.

ClinVar aggregate classification (germline): Likely pathogenic (1 of 4 stars; one submission).

Conditions:
Carney-Stratakis syndrome. Also called: PARAGANGLIOMA AND GASTROINTESTINAL STROMAL TUMOR. Identifiers: Orphanet 97286, MedGen C1847319, MONDO:0011740, OMIM 606864.
Cowden syndrome 3 (CWS3). Identifiers: Orphanet 201, MedGen CN166604, MONDO:0014045.
Pheochromocytoma. Also called: MAX-Related Hereditary Paraganglioma-Pheochromocytoma Syndrome. Identifiers: Orphanet 29072, MedGen C0031511, MONDO:0008233, OMIM 171300, HP:0002666.
Paragangliomas with sensorineural hearing loss. Identifiers: MedGen C1868633.

Submission:

Labcorp Genetics (formerly Invitae), Labcorp
Classification: Likely pathogenic for Carney-Stratakis syndrome; Paragangliomas with sensorineural hearing loss; Pheochromocytoma; Cowden syndrome 3. Last evaluated: 2025-01-15. Review status: criteria provided, single submitter. Criteria: Invitae Variant Classification Sherloc (09022015). Collection method: clinical testing. Allele origin: germline.
Comment: This sequence change affects an acceptor splice site in intron 3 of the SDHD gene. While this variant is not anticipated to result in nonsense mediated decay, it likely alters RNA splicing and results in a disrupted protein product. This variant is not present in population databases (gnomAD no frequency). Disruption of this splice site has been observed in individuals with paraganglioma (PMID: 19454582, 22517554; internal data). ClinVar contains an entry for this variant (Variation ID: 1465013). Variants that disrupt the consensus splice site are a relatively common cause of aberrant splicing (PMID: 17576681, 9536098). Studies have shown that disruption of this splice site is associated with inconclusive levels of altered splicing (internal data). In summary, the currently available evidence indicates that the variant is pathogenic, but additional data are needed to prove that conclusively. Therefore, this variant has been classified as Likely Pathogenic.

Literature cited by the submitters: PubMed 19454582; PubMed 22517554; PubMed 17576681; PubMed 9536098.